The following is an entry in ClinVar:

NM_005502.4(ABCA1):c.2872T>C (p.Tyr958His)

Gene: ABCA1 (ATP binding cassette subfamily A member 1; minus strand). Cytogenetic location: 9q31.1.
Variant type: single nucleotide variant.
Coding change: c.2872T>C on transcript NM_005502.4 (MANE Select); coding-DNA position 2872, T replaced by C.
Protein change: p.Tyr958His; replaces tyrosine 958 with histidine.
Molecular consequence: missense variant.
Genome position (GRCh38, 1-based): chr9:104,821,463, A>G on the plus strand (T>C on the coding strand, the complement: ABCA1 is on the minus strand). VCF-style: chr9-104821463-A-G. GRCh37 (hg19) VCF-style: chr9-107583744-A-G.
Other names: short protein forms Y958H.
Identifiers: ClinVar variation 2111715 (VCV002111715.4), dbSNP rs2538145611, ClinGen allele CA374319998.
Genomic context (GRCh38, chr9:104,821,463, plus strand): 5'-AGACCCCCAGGTTCTGCCGGATGGTGCTCATCTCAGAGCGAATGTCTTTTCCCAGGATGT[A>G]GGCGGTGCCCGAGGTCGGGGGGAACAACCCGGTCAGGATTGACCTGAGGACAAAAATTTA-3'
Protein context (NP_005493.2, residues 948-968): GLFPPTSGTA[Tyr958His]ILGKDIRSEM

ClinVar aggregate classification (germline): Uncertain significance (1 of 4 stars; one submission).

Allele frequency attached by ClinVar (database versions not stated): gnomAD exomes below 0.00001.
gnomAD v4.1: 2 of 1,614,104 alleles (0.00012%); highest among the groups gnomAD compares: African/African-American, 0.0013%; no homozygotes.

Submission:

Labcorp Genetics (formerly Invitae), Labcorp
Classification: Uncertain significance. Last evaluated: 2022-03-14. Review status: criteria provided, single submitter. Criteria: Invitae Variant Classification Sherloc (09022015). Collection method: clinical testing. Allele origin: germline.
Comment: In summary, the available evidence is currently insufficient to determine the role of this variant in disease. Therefore, it has been classified as a Variant of Uncertain Significance. Advanced modeling of protein sequence and biophysical properties (such as structural, functional, and spatial information, amino acid conservation, physicochemical variation, residue mobility, and thermodynamic stability) performed at Invitae indicates that this missense variant is not expected to disrupt ABCA1 protein function. This variant has not been reported in the literature in individuals affected with ABCA1-related conditions. This variant is not present in population databases (gnomAD no frequency). This sequence change replaces tyrosine, which is neutral and polar, with histidine, which is basic and polar, at codon 958 of the ABCA1 protein (p.Tyr958His).